The following is an entry in ClinVar:

NM_000465.4(BARD1):c.1875_1876del (p.Asn626fs)

Gene: BARD1 (BRCA1 associated RING domain 1; minus strand). Cytogenetic location: 2q35.
Variant type: Deletion.
Coding change: c.1875_1876del on transcript NM_000465.4 (MANE Select); coding-DNA positions 1875 to 1876, 2 bases deleted (CA; older notation c.1875_1876delCA).
Protein change: p.Asn626fs; shifts the reading frame from asparagine 626.
Molecular consequence: frameshift variant. On other transcripts: non-coding transcript variant (3), intron variant (1).
Genome position (GRCh38, 1-based): chr2:214,745,094-214,745,095, TG deleted on the plus strand (CA on the coding strand, the reverse complement: BARD1 is on the minus strand). VCF-style (leftmost placement, unchanged base first): chr2-214745093-TTG-T. GRCh37 (hg19) VCF-style: chr2-215609817-TTG-T.
Other names: c.1818_1819del, p.Asn607fs (NM_001282543.2); c.522_523del, p.Asn175fs (NM_001282545.2); c.465_466del, p.Asn156fs (NM_001282548.2); c.365-14587_365-14586del (NM_001282549.2); short protein forms N626fs, N156fs, N175fs, N607fs.
Identifiers: ClinVar variation 1781755 (VCV001781755.5), dbSNP rs2469337779, ClinGen allele CA2580065597.
Genomic context (GRCh38, chr2:214,745,093, plus strand): 5'-TTCATTTCTTAATTCTCTCAAATCCAACACTTACATTCAAATTTTAGAATCCAGCATCCA[TTG>T]AGAATCCCAAGCATACACTTCAAGGTACTTTGAACTGCATCACCAGGAACAACAACATGA-3'

ClinVar aggregate classification (germline): Pathogenic. Review status: criteria provided, multiple submitters, no conflicts (2 of 4 stars). 2 submissions from 2 submitters: Pathogenic (2). Last evaluated 2025-06-16.

Conditions:
Hereditary cancer-predisposing syndrome. Also called: Neoplastic Syndromes, Hereditary; Tumor predisposition; Hereditary Cancer Syndrome; Hereditary neoplastic syndrome. Identifiers: Orphanet 140162, MedGen C0027672, MeSH D009386, MONDO:0015356.
Familial cancer of breast. Also called: BREAST CANCER, FAMILIAL; Hereditary breast cancer; hereditary breast carcinoma. Identifiers: Orphanet 227535, MedGen C0346153, MONDO:0016419, OMIM 114480. Disease mechanism: loss of function.

Submissions (2):

Labcorp Genetics (formerly Invitae), Labcorp
Classification: Pathogenic for Familial cancer of breast. Last evaluated: 2025-06-16. Review status: criteria provided, single submitter. Criteria: Invitae Variant Classification Sherloc (09022015). Collection method: clinical testing. Allele origin: germline.
Comment: This sequence change creates a premature translational stop signal (p.Asn626Trpfs*8) in the BARD1 gene. It is expected to result in an absent or disrupted protein product. Loss-of-function variants in BARD1 are known to be pathogenic (PMID: 20077502, 21344236). This variant is not present in population databases (gnomAD no frequency). This variant has not been reported in the literature in individuals affected with BARD1-related conditions. ClinVar contains an entry for this variant (Variation ID: 1781755). Algorithms developed to predict the effect of sequence changes on RNA splicing suggest that this variant may disrupt the consensus splice site. For these reasons, this variant has been classified as Pathogenic.

Ambry Genetics
Classification: Pathogenic for Hereditary cancer-predisposing syndrome. Last evaluated: 2020-06-23. Review status: criteria provided, single submitter. Criteria: Ambry Variant Classification Scheme 2023. Collection method: clinical testing. Allele origin: germline.
Comment: The c.1875_1876delCA pathogenic mutation, located in coding exon 9 of the BARD1 gene, results from a deletion of two nucleotides at nucleotide positions 1875 to 1876, causing a translational frameshift with a predicted alternate stop codon (p.N626Wfs*8). This alteration is expected to result in loss of function by premature protein truncation or nonsense-mediated mRNA decay. As such, this alteration is interpreted as a disease-causing mutation.

Literature cited by the submitters: PubMed 20077502 (cited by Labcorp Genetics (formerly Invitae), Labcorp); PubMed 21344236 (cited by Labcorp Genetics (formerly Invitae), Labcorp).